The following is an entry in ClinVar:

NM_001145358.2(SIN3A):c.43G>A (p.Ala15Thr)

Gene: SIN3A (SIN3 transcription regulator family member A; minus strand). Cytogenetic location: 15q24.2.
Variant type: single nucleotide variant.
Coding change: c.43G>A on transcript NM_001145358.2 (MANE Select); coding-DNA position 43, G replaced by A.
Protein change: p.Ala15Thr; replaces alanine 15 with threonine.
Molecular consequence: missense variant.
Genome position (GRCh38, 1-based): chr15:75,430,333, C>T on the plus strand (G>A on the coding strand, the complement: SIN3A is on the minus strand). VCF-style: chr15-75430333-C-T. GRCh37 (hg19) VCF-style: chr15-75722674-C-T.
Other names: c.43G>A, p.Ala15Thr (NM_001145357.2, NM_001437462.1, NM_001437463.1 and 1 more transcripts); short protein forms A15T.
Identifiers: ClinVar variation 4762284 (VCV004762284.1).
Genomic context (GRCh38, chr15:75,430,333, plus strand): 5'-CAAGCACCCGGTGCTGGTGAGGAAAAGCCTCTGTGCTGCCAGGGATCCGACGCTGCTGGG[C>T]TGCATACACCGGTGACTCCTGGTCATCCAAACGCCGCTTCATTCTGTGCTCATGCTCAGG-3'
Protein context (NP_001138830.1, residues 5-25): LDDQESPVYA[Ala15Thr]QQRRIPGSTE

ClinVar aggregate classification (germline): Uncertain significance (1 of 4 stars; one submission).

gnomAD v4.1: 5 of 1,613,876 alleles (0.00031%); highest among the groups gnomAD compares: Non-Finnish European, 0.00042%; no homozygotes.

Submission:

Labcorp Genetics (formerly Invitae), Labcorp
Classification: Uncertain significance. Last evaluated: 2025-10-11. Review status: criteria provided, single submitter. Criteria: Invitae Variant Classification Sherloc (09022015). Collection method: clinical testing. Allele origin: germline.
Comment: This sequence change replaces alanine, which is neutral and non-polar, with threonine, which is neutral and polar, at codon 15 of the SIN3A protein (p.Ala15Thr). This variant is present in population databases (rs376996093, gnomAD 0.0009%). This variant has not been reported in the literature in individuals affected with SIN3A-related conditions. An algorithm developed to predict the effect of missense changes on protein structure and function outputs the following: PolyPhen-2: "Benign". The threonine amino acid residue is found in multiple mammalian species, which suggests that this missense change does not adversely affect protein function. In summary, the available evidence is currently insufficient to determine the role of this variant in disease. Therefore, it has been classified as a Variant of Uncertain Significance.